The following is an entry in ClinVar:

ClinVar aggregate classification (germline): Likely pathogenic (1 of 4 stars; one submission).

Submission:

GeneDx
Classification: Likely pathogenic. Last evaluated: 2019-09-05. Review status: criteria provided, single submitter. Criteria: GeneDx Variant Classification Process June 2021. Collection method: clinical testing. Allele origin: germline. Affected: yes.
Comment: Not observed in large population cohorts (Lek et al., 2016); The majority of missense variants in this gene are considered pathogenic (Stenson et al., 2014); In silico analysis, which includes protein predictors and evolutionary conservation, supports a deleterious effect; Predicted to be within the transmembrane segment S3 of the first homologous domain; Has not been previously published as pathogenic or benign to our knowledge

NM_001040142.2(SCN2A):c.620T>G (p.Phe207Cys)

Gene: SCN2A (sodium voltage-gated channel alpha subunit 2; plus strand). Cytogenetic location: 2q24.3.
Variant type: single nucleotide variant.
Coding change: c.620T>G on transcript NM_001040142.2 (MANE Select); coding-DNA position 620, T replaced by G.
Protein change: p.Phe207Cys; replaces phenylalanine 207 with cysteine.
Molecular consequence: missense variant. On other transcripts: intron variant (2).
Genome position (GRCh38, 1-based): chr2:165,309,366, T>G. VCF-style: chr2-165309366-T-G. GRCh37 (hg19) VCF-style: chr2-166165876-T-G.
Other names: c.620T>G, p.Phe207Cys (NM_001371247.1, NM_021007.3); c.697+110T>G (NM_001040143.2, NM_001371246.1); short protein forms F207C.
Identifiers: ClinVar variation 423904 (VCV000423904.4), dbSNP rs1064796691, ClinGen allele CA16617259.
Genomic context (GRCh38, chr2:165,309,366, plus strand): 5'-TTCTTGTGTTCTGTCATTGTGTTTGTGTGTGAACCCCCTATTACAGATATGTGACAGAGT[T>G]TGTGGACCTGGGCAATGTCTCAGCGTTGAGAACATTCAGAGTTCTCCGAGCATTGAAAAC-3'
Protein context (NP_001035232.1, residues 197-217): TVITFAYVTE[Phe207Cys]VDLGNVSALR